The following is an entry in ClinVar:

ClinVar aggregate classification (germline): Uncertain significance (1 of 4 stars; one submission).

Allele frequency attached by ClinVar (database versions not stated): gnomAD exomes below 0.00001.

Submission:

Labcorp Genetics (formerly Invitae), Labcorp
Classification: Uncertain significance. Last evaluated: 2023-09-06. Review status: criteria provided, single submitter. Criteria: Invitae Variant Classification Sherloc (09022015). Collection method: clinical testing. Allele origin: germline.
Comment: This variant has not been reported in the literature in individuals affected with DCHS1-related conditions. Advanced modeling of protein sequence and biophysical properties (such as structural, functional, and spatial information, amino acid conservation, physicochemical variation, residue mobility, and thermodynamic stability) performed at Invitae indicates that this missense variant is not expected to disrupt DCHS1 protein function. In summary, the available evidence is currently insufficient to determine the role of this variant in disease. Therefore, it has been classified as a Variant of Uncertain Significance. This variant is not present in population databases (gnomAD no frequency). This sequence change replaces serine, which is neutral and polar, with isoleucine, which is neutral and non-polar, at codon 1188 of the DCHS1 protein (p.Ser1188Ile).

NM_003737.4(DCHS1):c.3563G>T (p.Ser1188Ile)

Gene: DCHS1 (dachsous cadherin-related 1; minus strand). Cytogenetic location: 11p15.4.
Variant type: single nucleotide variant.
Coding change: c.3563G>T on transcript NM_003737.4 (MANE Select); coding-DNA position 3563, G replaced by T.
Protein change: p.Ser1188Ile; replaces serine 1188 with isoleucine.
Molecular consequence: missense variant.
Genome position (GRCh38, 1-based): chr11:6,631,728, C>A on the plus strand (G>T on the coding strand, the complement: DCHS1 is on the minus strand). VCF-style: chr11-6631728-C-A. GRCh37 (hg19) VCF-style: chr11-6652959-C-A.
Other names: short protein forms S1188I.
Identifiers: ClinVar variation 2758598 (VCV002758598.3), dbSNP rs1855911156, ClinGen allele CA379412053.
Genomic context (GRCh38, chr11:6,631,728, plus strand): 5'-CTGTTGTCGTTGAGGTCAAGCACTGCAACATGCACAGTGCCTGTGGTGCTGCGGGGTGGG[C>A]TCCCTCCATCCTGCACCTGCACCAGGAGCTGATAGCTGCTCTGCTGCTCACGGTCCAGGG-3'
Protein context (NP_003728.1, residues 1178-1198): QLLVQVQDGG[Ser1188Ile]PPRSTTGTVH